The following is an entry in ClinVar:

NM_000257.4(MYH7):c.2080C>T (p.Arg694Cys)

Gene: MYH7 (myosin heavy chain 7; minus strand). Cytogenetic location: 14q11.2.
Variant type: single nucleotide variant.
Coding change: c.2080C>T on transcript NM_000257.4 (MANE Select); coding-DNA position 2080, C replaced by T.
Protein change: p.Arg694Cys; replaces arginine 694 with cysteine.
Molecular consequence: missense variant.
Genome position (GRCh38, 1-based): chr14:23,426,046, G>A on the plus strand (C>T on the coding strand, the complement: MYH7 is on the minus strand). VCF-style: chr14-23426046-G-A. GRCh37 (hg19) VCF-style: chr14-23895255-G-A.
Other names: p.R694C:CGC>TGC; short protein forms R694C.
Identifiers: ClinVar variation 177627 (VCV000177627.32), dbSNP rs727504240, ClinGen allele CA011642.

ClinVar aggregate classification (germline): Pathogenic/Likely pathogenic. Review status: criteria provided, multiple submitters, no conflicts (2 of 4 stars). 13 submissions from 13 submitters: Pathogenic (3); Likely pathogenic (6). 4 of the submissions do not count toward it. Last evaluated 2026-04-30.

Conditions:
Cardiovascular phenotype. Identifiers: MedGen CN230736.
Cardiomyopathy (CMYO). Also called: Cardiomyopathies. Identifiers: Orphanet 167848, MedGen C0878544, MONDO:0004994, HP:0001638. Inheritance: Various modes of inheritance.
Hypertrophic cardiomyopathy 1 (CMH1). Also called: MYH7-Related Familial Hypertrophic Cardiomyopathy; Familial hypertrophic cardiomyopathy 1. Identifiers: MedGen C3495498, MONDO:0008647, OMIM 192600.
Hypertrophic cardiomyopathy. Also called: HYPERTROPHIC MYOCARDIOPATHY. Identifiers: Orphanet 217569, MedGen C0007194, MeSH D002312, MONDO:0005045, HP:0001639.

Allele frequency attached by ClinVar (database versions not stated): gnomAD 0.00001; gnomAD exomes 0.00001 and 0.00002; ExAC 0.00002; TOPMed 0.00002.
gnomAD v4.1: 15 of 1,614,074 alleles (0.00093%); highest among the groups gnomAD compares: East Asian, 0.0045%; no homozygotes.

Submissions 1 to 5 of 13:

Women's Health and Genetics/Laboratory Corporation of America, LabCorp
Classification: Pathogenic for Cardiomyopathy. Last evaluated: 2026-04-30. Review status: criteria provided, single submitter. Criteria: LabCorp Variant Classification Summary - May 2015. Collection method: clinical testing. Allele origin: germline.
Comment: Variant summary: MYH7 c.2080C>T (p.Arg694Cys) results in a non-conservative amino acid change in the encoded protein sequence. Algorithms developed to predict the effect of missense changes on protein structure and function all suggest that this variant is likely to be disruptive. The variant allele was found at a frequency of 2e-05 in 251358 control chromosomes. c.2080C>T has been observed in multiple individuals affected with Hypertrophic Cardiomyopathy and/or Left Ventricular Hypertrophy, including at least one family where it was found to segregate with disease (e.g. Andersen_1999, Andersen_2004, Ho_2018, internal data). These data indicate that the variant is very likely to be associated with disease. To our knowledge, no experimental evidence demonstrating an impact on protein function has been reported. However, a different variant affecting the same codon has been classified as likely pathogenic/pathogenic (c.2081G>A, p.Arg694His), supporting the critical relevance of codon 694 to MYH7 protein function. The following publications have been ascertained in the context of this evaluation (PMID: 10563488, 15114369, 30297972). ClinVar contains an entry for this variant (Variation ID: 177627). Based on the evidence outlined above, the variant was classified as pathogenic.

Labcorp Genetics (formerly Invitae), Labcorp
Classification: Pathogenic for Hypertrophic cardiomyopathy. Last evaluated: 2026-02-03. Review status: criteria provided, single submitter. Criteria: Invitae Variant Classification Sherloc (09022015). Collection method: clinical testing. Allele origin: germline.
Comment: This sequence change replaces arginine, which is basic and polar, with cysteine, which is neutral and slightly polar, at codon 694 of the MYH7 protein (p.Arg694Cys). This variant is present in population databases (rs727504240, gnomAD 0.006%). This missense change has been observed in individuals with hypertrophic cardiomyopathy (PMID: 10563488, 12566107, 15114369, 15519027, 22811549, 23674513, 25611685, 27247418, 27532257, 31737537, 32894683; internal data). ClinVar contains an entry for this variant (Variation ID: 177627). Invitae Evidence Modeling of protein sequence and biophysical properties (such as structural, functional, and spatial information, amino acid conservation, physicochemical variation, residue mobility, and thermodynamic stability) indicates that this missense variant is expected to disrupt MYH7 protein function with a positive predictive value of 95%. This variant is found within a region of MYH7 between codons 181 and 937 that contains the majority of the myosin head domain. Missense variants in this region have been shown to be significantly overrepresented in individuals with hypertrophic cardiomyopathy (PMID: 27532257). This variant disrupts the p.Arg694 amino acid residue in MYH7. Other variant(s) that disrupt this residue have been observed in individuals with MYH7-related conditions (PMID: 12974739, 20819418), which suggests that this may be a clinically significant amino acid residue. For these reasons, this variant has been classified as Pathogenic.

GeneDx
Classification: Likely pathogenic. Last evaluated: 2025-10-13. Review status: criteria provided, single submitter. Criteria: GeneDx Variant Classification Process June 2021. Collection method: clinical testing. Allele origin: germline. Affected: yes.
Comment: Identified in several individuals with HCM referred for genetic testing at GeneDx and in published literature, though some of these individuals also harbored reportedly pathogenic variants in other HCM-related genes (PMID: 10563488, 15519027, 18533079, 27532257, 32894683); Not observed at significant frequency in large population cohorts (gnomAD); In silico analysis supports that this missense variant has a deleterious effect on protein structure/function; This variant is associated with the following publications: (PMID: 26688388, 21310275, 34542152, 31737537, 32528171, 23197161, 24928957, 18533079, 18761664, 20031602, 25524337, 12566107, 15114369, 15519027, 27532257, 15358028, 25611685, 20819418, 28606303, 27247418, 23674513, 32894683, 32369506, 31323898, 10563488, 29300372, 37652022, 36264615)

Color Diagnostics, LLC DBA Color Health
Classification: Likely pathogenic for Cardiomyopathy. Last evaluated: 2025-06-17. Review status: criteria provided, single submitter. Criteria: ACMG Guidelines, 2015. Collection method: clinical testing. Allele origin: germline.
Comment: This missense variant replaces arginine with cysteine at codon 694 of the MYH7 protein. This variant is found within a highly conserved region of the myosin head domain. Missense variants in this region have been shown to be significantly overrepresented in individuals with affected with hypertrophic cardiomyopathy (PMID: 27532257). Computational prediction suggests that this variant may have a deleterious impact on protein structure and function. To our knowledge, functional studies have not been reported for this variant. This variant has been reported in more than 15 unrelated individuals affected with hypertrophic cardiomyopathy (PMID: 10563488, 15519027, 18533079, 23674513, 24793961, 25524337, 27247418, 27532257, 32228044, 32369506, 33495597, 39554508). Five of these individuals also carried a pathogenic variant in the MYBPC3 gene (PMID: 15519027, 18533079, 32228044). It has been shown that this variant segregates with disease in five affected individuals in one family (PMID: 10563488, 15114369, 19035361). This variant has also been reported in an individual affected with unexplained limb-girdle weakness (PMID: 32528171). This variant has been identified in 5/251358 chromosomes in the general population by the Genome Aggregation Database (gnomAD). A different variant affecting the same codon, p.Arg694His, is considered to be disease-causing (ClinVar variation ID: 264068), suggesting that arginine at this position is important for MYH7 protein function. Based on the available evidence, this variant is classified as Likely Pathogenic.

Ambry Genetics
Classification: Likely pathogenic for Cardiovascular phenotype. Last evaluated: 2024-11-05. Review status: criteria provided, single submitter. Criteria: Ambry Variant Classification Scheme 2023. Collection method: clinical testing. Allele origin: germline.
Comment: The p.R694C variant (also known as c.2080C>T), located in coding exon 17 of the MYH7 gene, results from a C to T substitution at nucleotide position 2080. The arginine at codon 694 is replaced by cysteine, an amino acid with highly dissimilar properties. This alteration is located in the myosin head domain, which contains a statistically significant clustering of pathogenic missense variants (Homburger JR et al. Proc Natl Acad Sci U S A, 2016 06;113:6701-6; Walsh R et al. Genet Med, 2017 02;19:192-203; Ambry internal data). This alteration has been reported in multiple individuals with features consistent with hypertrophic cardiomyopathy (HCM) (Andersen PS et al. Eur. J. Hum. Genet., 2004 Aug;12:673-7; Van Driest SL et al. J. Am. Coll. Cardiol., 2004 Nov;44:1903-10; Walsh R et al. Genet. Med., 2017 02;19:192-203; Ho CY et al. Circulation, 2018 10;138:1387-1398). Another variant at the same codon, p.R694H (c.2081G>A), has also been reported in association with HCM (Erdmann J et al. Clin Genet. 2003;64(4):339-49; Berge KE and Leren TP. Clin Genet. 2014;86(4):355-60; Lopes LR et al. Heart. 2015;101(4):294-301; external communication; Ambry internal data).This amino acid position is highly conserved in available vertebrate species. In addition, this alteration is predicted to be deleterious by in silico analysis. Based on the majority of available evidence to date, this variant is likely to be pathogenic.